The following is an entry in ClinVar:

ClinVar aggregate classification (germline): Uncertain significance (1 of 4 stars; one submission).

Submission:

GeneDx
Classification: Uncertain significance. Last evaluated: 2026-03-25. Review status: criteria provided, single submitter. Criteria: GeneDx Variant Classification Process June 2021. Collection method: clinical testing. Allele origin: germline.
Comment: Not observed at significant frequency in large population cohorts (gnomAD); In silico analysis supports that this missense variant has a deleterious effect on protein structure/function; Has not been previously published as pathogenic or benign to our knowledge

NM_001470.4(GABBR1):c.199T>C (p.Cys67Arg)

Gene: GABBR1 (gamma-aminobutyric acid type B receptor subunit 1; minus strand). Cytogenetic location: 6p22.1.
Variant type: single nucleotide variant.
Coding change: c.199T>C on transcript NM_001470.4 (MANE Select); coding-DNA position 199, T replaced by C.
Protein change: p.Cys67Arg; replaces cysteine 67 with arginine.
Molecular consequence: missense variant. On other transcripts: 5 prime UTR variant (1).
Genome position (GRCh38, 1-based): chr6:29,631,486, A>G on the plus strand (T>C on the coding strand, the complement: GABBR1 is on the minus strand). VCF-style: chr6-29631486-A-G. GRCh37 (hg19) VCF-style: chr6-29599263-A-G.
Other names: c.-269T>C (NM_001319053.2); c.199T>C, p.Cys67Arg (NM_021904.4); short protein forms C67R.
Identifiers: ClinVar variation 5017500 (VCV005017500.1).
Genomic context (GRCh38, chr6:29,631,486, plus strand): 5'-AGGAGCCGTTGGCCAGGCACTTGCGGACCTTGGGCCCCACCACCTCGCGCTCCCCCCGGC[A>G]CACATACTCAATCTCATAGTCCACTGGCAGGAAGTTGATAGCCTTCACCTGGTCCCGAGT-3'
Protein context (NP_001461.1, residues 57-77): LPVDYEIEYV[Cys67Arg]RGEREVVGPK